The following is an entry in ClinVar:

NM_000155.4(GALT):c.604G>A (p.Glu202Lys)

Gene: GALT (galactose-1-phosphate uridylyltransferase; plus strand). Cytogenetic location: 9p13.3.
Variant type: single nucleotide variant.
Coding change: c.604G>A on transcript NM_000155.4 (MANE Select); coding-DNA position 604, G replaced by A.
Protein change: p.Glu202Lys; replaces glutamic acid 202 with lysine.
Molecular consequence: missense variant.
Genome position (GRCh38, 1-based): chr9:34,648,373, G>A. VCF-style: chr9-34648373-G-A. GRCh37 (hg19) VCF-style: chr9-34648370-G-A.
Other names: c.277G>A, p.Glu93Lys (NM_001258332.2); short protein forms E202K, E93K.
Identifiers: ClinVar variation 1519425 (VCV001519425.8), dbSNP rs2132344159, ClinGen allele CA373281991.
Genomic context (GRCh38, chr9:34,648,373, plus strand): 5'-TCTGCTTTTGCCCCTTGACAGGTATGGGCCAGCAGTTTCCTGCCAGATATTGCCCAGCGT[G>A]AGGAGCGATCTCAGCAGGCCTATAAGAGTCAGCATGGAGAGCCCCTGCTAATGGAGTACA-3'
Protein context (NP_000146.2, residues 192-212): SSFLPDIAQR[Glu202Lys]ERSQQAYKSQ

ClinVar aggregate classification (germline): Likely pathogenic (1 of 4 stars; one submission).

Conditions:
Deficiency of UDPglucose-hexose-1-phosphate uridylyltransferase. Also called: Transferase Deficiency Galactosemia; GALACTOSE-1-PHOSPHATE URIDYLYLTRANSFERASE DEFICIENCY; GALACTOSEMIA I; GALT deficiency; Galactosemia, classic. Identifiers: Orphanet 352, Orphanet 79239, MedGen C0268151, MONDO:0009258, OMIM 230400.

Submission:

Labcorp Genetics (formerly Invitae), Labcorp
Classification: Likely pathogenic for Deficiency of UDPglucose-hexose-1-phosphate uridylyltransferase. Last evaluated: 2021-06-16. Review status: criteria provided, single submitter. Criteria: Invitae Variant Classification Sherloc (09022015). Collection method: clinical testing. Allele origin: germline.
Comment: In summary, the currently available evidence indicates that the variant is pathogenic, but additional data are needed to prove that conclusively. Therefore, this variant has been classified as Likely Pathogenic. Advanced modeling of protein sequence and biophysical properties (such as structural, functional, and spatial information, amino acid conservation, physicochemical variation, residue mobility, and thermodynamic stability) performed at Invitae indicates that this missense variant is expected to disrupt GALT protein function. This variant has been observed in individual(s) with galactose-1-phosphate uridylyltransferase deficiency (PMID: 17486650). This variant is not present in population databases (ExAC no frequency). This sequence change replaces glutamic acid with lysine at codon 202 of the GALT protein (p.Glu202Lys). The glutamic acid residue is moderately conserved and there is a small physicochemical difference between glutamic acid and lysine.

Literature cited by the submitters: PubMed 17486650.